The following is an entry in ClinVar:

NM_173660.5(DOK7):c.930_933del (p.Met311fs)

Gene: DOK7 (docking protein 7; plus strand). Cytogenetic location: 4p16.3.
Variant type: Deletion.
Coding change: c.930_933del on transcript NM_173660.5 (MANE Select); coding-DNA positions 930 to 933, 4 bases deleted (CATG; older notation c.930_933delCATG).
Protein change: p.Met311fs; shifts the reading frame from methionine 311.
Molecular consequence: frameshift variant. On other transcripts: 3 prime UTR variant (1), initiator codon variant (1).
Genome position (GRCh38, 1-based): chr4:3,492,916-3,492,919, CATG deleted. VCF-style (leftmost placement, unchanged base first): chr4-3492915-CCATG-C. GRCh37 (hg19) VCF-style: chr4-3494642-CCATG-C.
Other names: c.930_933delCATG (NM_001301071.2); c.*151_*154del (NM_001164673.2); c.-1_3del, p.Met1fs (NM_001256896.2); c.930_933del, p.Met311fs (NM_001301071.2); c.498_501del, p.Met167fs (NM_001363811.2); short protein forms M167fs, M1fs, M311fs.
Identifiers: ClinVar variation 1332706 (VCV001332706.4), dbSNP rs2109417343, ClinGen allele CA2573052325.

ClinVar aggregate classification (germline): Likely pathogenic (1 of 4 stars; one submission).

Conditions:
Congenital myasthenic syndrome 10. Also called: Myasthenia, limb-girdle, familial. Identifiers: Orphanet 590, MedGen C1850792, MONDO:0009690, OMIM 254300.

Allele frequency attached by ClinVar (database versions not stated): gnomAD exomes below 0.00001.

Submission:

Kasturba Medical College, Manipal, Kasturba Medical College, Manipal, Manipal Academy of Higher Education, Manipal, India
Classification: Likely pathogenic for Congenital myasthenic syndrome 10. Last evaluated: 2026-06-11. Review status: criteria provided, single submitter. Criteria: ACMG Guidelines, 2015. Collection method: clinical testing. Allele origin: inherited. Inheritance: Autosomal recessive inheritance. Affected: yes.
Comment: The known frameshift deletion variant, c.930_933del in exon 7 (Mishra et al., 2023) is present in one individual in heterozygous state and absent in homozygous state in the gnomAD v4.1.0 population database. The variant is present in one similarly affected individual in homozygous state and absent in heterozygous state in our in-house database of 4225 exomes.

Literature cited by the submitters: PubMed 37646703.